The following is an entry in ClinVar:

NM_001330078.2(NRXN1):c.3245-5T>A

Gene: NRXN1 (neurexin 1; minus strand). Cytogenetic location: 2p16.3.
Variant type: single nucleotide variant.
Coding change: c.3245-5T>A on transcript NM_001330078.2 (MANE Select); 5 bases into the intron before coding-DNA position 3245, T replaced by A.
Molecular consequence: intron variant.
Genome position (GRCh38, 1-based): chr2:50,465,566, A>T on the plus strand (T>A on the coding strand, the complement: NRXN1 is on the minus strand). VCF-style: chr2-50465566-A-T. GRCh37 (hg19) VCF-style: chr2-50692704-A-T.
Other names: c.3164-5T>A (NM_001330088.2); c.3242-5T>A (NM_001330093.2); c.3233-5T>A (NM_001330094.2); c.3194-5T>A (NM_001330095.2); c.3221-5T>A (NM_001330082.2, NM_001330077.2); c.3218-5T>A (NM_001330085.2); c.3245-5T>A (NM_004801.6, NM_001330086.2); c.3365-5T>A (NM_001135659.3); and 2 more.
Identifiers: ClinVar variation 3673393 (VCV003673393.2).

ClinVar aggregate classification (germline): Uncertain significance (1 of 4 stars; one submission).

Conditions:
Pitt-Hopkins-like syndrome 2 (PTHSL2). Identifiers: Orphanet 221150, Orphanet 600663, MedGen C3280479, MONDO:0013690, OMIM 614325.

gnomAD v4.1: 1 of 1,600,444 alleles (0.000062%); highest among the groups gnomAD compares: Non-Finnish European, 0.000085%; no homozygotes.

Submission:

Labcorp Genetics (formerly Invitae), Labcorp
Classification: Uncertain significance for Pitt-Hopkins-like syndrome 2. Last evaluated: 2025-06-11. Review status: criteria provided, single submitter. Criteria: Invitae Variant Classification Sherloc (09022015). Collection method: clinical testing. Allele origin: germline.
Comment: This sequence change falls in intron 17 of the NRXN1 gene. It does not directly change the encoded amino acid sequence of the NRXN1 protein. This variant is not present in population databases (gnomAD no frequency). This variant has not been reported in the literature in individuals affected with NRXN1-related conditions. ClinVar contains an entry for this variant (Variation ID: 3673393). Algorithms developed to predict the effect of sequence changes on RNA splicing suggest that this variant may disrupt the consensus splice site. In summary, the available evidence is currently insufficient to determine the role of this variant in disease. Therefore, it has been classified as a Variant of Uncertain Significance.